The following is an entry in ClinVar:

ClinVar aggregate classification (germline): Likely benign (1 of 4 stars; one submission).

Submission:

Mayo Clinic Laboratories, Mayo Clinic
Classification: Likely benign. Last evaluated: 2025-10-17. Review status: criteria provided, single submitter. Criteria: ACMG Guidelines, 2015. Collection method: clinical testing. Allele origin: germline. Observed: 1 variant allele.
Comment: BP4, BP7, PM2_supporting

NM_000093.5(COL5A1):c.1365G>A (p.Lys455=)

Gene: COL5A1 (collagen type V alpha 1 chain; plus strand). Cytogenetic location: 9q34.3.
Variant type: single nucleotide variant.
Coding change: c.1365G>A on transcript NM_000093.5 (MANE Select); coding-DNA position 1365, G replaced by A.
Protein change: p.Lys455=; no amino-acid change (lysine 455 retained).
Molecular consequence: synonymous variant.
Genome position (GRCh38, 1-based): chr9:134,732,103, G>A. VCF-style: chr9-134732103-G-A. GRCh37 (hg19) VCF-style: chr9-137623949-G-A.
Other names: p.Lys455=; c.1365G>A, p.Lys455= (NM_001278074.1).
Identifiers: ClinVar variation 4683458 (VCV004683458.1).